The following is an entry in ClinVar:

ClinVar aggregate classification (germline): Benign/Likely benign. Review status: criteria provided, multiple submitters, no conflicts (2 of 4 stars). 2 submissions from 2 submitters: Benign (1); Likely benign (1). Last evaluated 2025-10-21.

Submissions (2):

Labcorp Genetics (formerly Invitae), Labcorp
Classification: Benign. Last evaluated: 2025-10-21. Review status: criteria provided, single submitter. Criteria: Invitae Variant Classification Sherloc (09022015). Collection method: clinical testing. Allele origin: germline.

CeGaT Center for Human Genetics Tuebingen
Classification: Likely benign. Last evaluated: 2025-07-01. Review status: criteria provided, single submitter. Criteria: CeGaT Center For Human Genetics Tuebingen Variant Classification Criteria Version 2. Collection method: clinical testing. Allele origin: germline. Affected: yes. Observed: 2 variant alleles.
Comment: TCF20: BP3

NM_001378418.1(TCF20):c.719CCT[8] (p.Ser246dup)

Gene: TCF20 (transcription factor 20; minus strand). Cytogenetic location: 22q13.2.
Variant type: Microsatellite.
Coding change: c.719CCT[8] on transcript NM_001378418.1 (MANE Select); eight copies in a row of the 3-base unit CCT starting at c.719; the reference has seven copies in a row; one copy, 3 bases duplicated.
Protein change: p.Ser246dup; duplicates serine 246.
Molecular consequence: inframe insertion.
Genome position (GRCh38, 1-based): chr22:42,214,567-42,214,569, AGG duplicated on the plus strand (CCT on the coding strand, the reverse complement: TCF20 is on the minus strand); duplicating any 3 consecutive bases within chr22:42,214,567-42,214,588 gives the same sequence; the position shown is the placement nearest the transcript's 3' end. VCF-style (leftmost placement, unchanged base first): chr22-42214566-A-AAGG. GRCh37 (hg19) VCF-style: chr22-42610572-A-AAGG.
Other names: c.719CCT[8], p.Ser246dup (NM_005650.4, NM_181492.3).
Identifiers: ClinVar variation 1675892 (VCV001675892.38), dbSNP rs754279263, ClinGen allele CA10267310.